The following is an entry in ClinVar:

NM_006096.4(NDRG1):c.506C>T (p.Ala169Val)

Gene: NDRG1 (N-myc downstream regulated 1; minus strand). Cytogenetic location: 8q24.22.
Variant type: single nucleotide variant.
Coding change: c.506C>T on transcript NM_006096.4 (MANE Select); coding-DNA position 506, C replaced by T.
Protein change: p.Ala169Val; replaces alanine 169 with valine.
Molecular consequence: missense variant.
Genome position (GRCh38, 1-based): chr8:133,256,808, G>A on the plus strand (C>T on the coding strand, the complement: NDRG1 is on the minus strand). VCF-style: chr8-133256808-G-A. GRCh37 (hg19) VCF-style: chr8-134269051-G-A.
Other names: c.506C>T, p.Ala169Val (NM_001135242.2, NM_001374844.1, NM_001374845.1 and 1 more transcripts); c.308C>T, p.Ala103Val (NM_001258432.2, NM_001374847.1); c.263C>T, p.Ala88Val (NM_001258433.2); short protein forms A169V, A103V, A88V.
Identifiers: ClinVar variation 410955 (VCV000410955.3), dbSNP rs963190299, ClinGen allele CA16612478.

ClinVar aggregate classification (germline): Uncertain significance. Review status: criteria provided, single submitter (1 of 4 stars). 2 submissions from 2 submitters: Uncertain significance (1). 1 of the submissions does not count toward it. Last evaluated 2021-09-01.

Conditions:
Charcot-Marie-Tooth disease type 4D. Also called: CHARCOT-MARIE-TOOTH DISEASE, DEMYELINATING, AUTOSOMAL RECESSIVE, TYPE 4D; NEUROPATHY, HEREDITARY MOTOR AND SENSORY, LOM TYPE; CHARCOT-MARIE-TOOTH DISEASE, DEMYELINATING, TYPE 4D; Charcot-Marie-Tooth Neuropathy Type 4D. Identifiers: Orphanet 99950, MedGen C1832334, MONDO:0011085, OMIM 601455.
Charcot-Marie-Tooth disease type 4. Also called: Charcot-Marie-Tooth disease, type IV; Charcot-Marie-Tooth, Type 4. Identifiers: Orphanet 64749, MedGen C4082197, MONDO:0018995.

Allele frequency attached by ClinVar (database versions not stated): gnomAD exomes below 0.00001; TOPMed 0.00001.
gnomAD v4.1: 3 of 1,614,128 alleles (0.00019%); highest among the groups gnomAD compares: Non-Finnish European, 0.00025%; no homozygotes.

Submissions (2):

Labcorp Genetics (formerly Invitae), Labcorp
Classification: Uncertain significance for Charcot-Marie-Tooth disease type 4. Last evaluated: 2021-09-01. Review status: criteria provided, single submitter. Criteria: Invitae Variant Classification Sherloc (09022015). Collection method: clinical testing. Allele origin: germline.
Comment: This sequence change replaces alanine with valine at codon 169 of the NDRG1 protein (p.Ala169Val). The alanine residue is highly conserved and there is a small physicochemical difference between alanine and valine. This variant is not present in population databases (ExAC no frequency). This variant has not been reported in the literature in individuals affected with NDRG1-related conditions. ClinVar contains an entry for this variant (Variation ID: 410955). Algorithms developed to predict the effect of missense changes on protein structure and function are either unavailable or do not agree on the potential impact of this missense change (SIFT: "Deleterious"; PolyPhen-2: "Probably Damaging"; Align-GVGD: "Class C0"). In summary, the available evidence is currently insufficient to determine the role of this variant in disease. Therefore, it has been classified as a Variant of Uncertain Significance.

Natera, Inc.
Classification: Uncertain significance for Charcot-Marie-Tooth disease type 4D. Last evaluated: 2020-09-29. Review status: no assertion criteria provided. Collection method: clinical testing. Allele origin: germline. Not counted in ClinVar's aggregate classification.